The following is an entry in ClinVar:

ClinVar aggregate classification (germline): Conflicting classifications of pathogenicity. Review status: criteria provided, conflicting classifications (1 of 4 stars). 3 submissions from 3 submitters: Uncertain significance (1); Likely benign (2). Last evaluated 2025-12-17.

Conditions:
VMA22-related condition.

Allele frequency attached by ClinVar (database versions not stated): gnomAD exomes 0.00010; ExAC 0.00033; ESP Exome Variant Server 0.00077; gnomAD 0.00098; TOPMed 0.00107; 1000 Genomes Project 30x 0.00141; 1000 Genomes Project 0.00160.
gnomAD v4.1: 326 of 1,614,116 alleles (0.02%); highest among the groups gnomAD compares: African/African-American, 0.31%; 1 homozygote.

Submissions (4):

PreventionGenetics, part of Exact Sciences
Classification: Likely benign for VMA22-related condition. Last evaluated: 2025-12-17. Review status: criteria provided, single submitter. Criteria: ACMG Guidelines, 2015. Collection method: clinical testing. Allele origin: germline.
Comment: This variant is classified as likely benign based on ACMG/AMP sequence variant interpretation guidelines (Richards et al. 2015 PMID: 25741868, with internal and published modifications).

Labcorp Genetics (formerly Invitae), Labcorp
Classification: Likely benign. Last evaluated: 2025-11-04. Review status: criteria provided, single submitter. Criteria: Invitae Variant Classification Sherloc (09022015). Collection method: clinical testing. Allele origin: germline.

CeGaT Center for Human Genetics Tuebingen
Classification: Uncertain significance. Last evaluated: 2024-02-01. Review status: criteria provided, single submitter. Criteria: CeGaT Center For Human Genetics Tuebingen Variant Classification Criteria Version 2. Collection method: clinical testing. Allele origin: germline. Affected: yes. Observed: 1 variant allele.

Dr. Peter K. Rogan Lab, Western University
No classification provided (evidence only). Condition: Uterine corpus endometrial carcinoma. Review status: no classification provided. Collection method: in vitro. Allele origin: not applicable. Functional consequence: retained intron. Not counted in ClinVar's aggregate classification.

NM_032357.4(VMA22):c.406C>G (p.Gln136Glu)

Gene: VMA22 (vacuolar ATPase assembly factor VMA22; minus strand). Cytogenetic location: 2q21.1.
Variant type: single nucleotide variant.
Coding change: c.406C>G on transcript NM_032357.4 (MANE Select); coding-DNA position 406, C replaced by G.
Protein change: p.Gln136Glu; replaces glutamine 136 with glutamic acid.
Molecular consequence: missense variant. On other transcripts: non-coding transcript variant (2).
Genome position (GRCh38, 1-based): chr2:130,340,932, G>C on the plus strand (C>G on the coding strand, the complement: VMA22 is on the minus strand). VCF-style: chr2-130340932-G-C. GRCh37 (hg19) VCF-style: chr2-131098505-G-C.
Other names: c.391C>G, p.Gln131Glu (NM_001321118.1); c.382C>G, p.Gln128Glu (NM_001321119.2); c.406C>G (NM_032357.3); short protein forms Q128E, Q136E, Q131E.
Identifiers: ClinVar variation 2158172 (VCV002158172.28), dbSNP rs147226112, ClinGen allele CA1871256.
Genomic context (GRCh38, chr2:130,340,932, plus strand): 5'-TGAGGGCCACAGAGCCAAACAACACGGTCCACTCACCATCCCGGAAGCTTGCTTGAGCCT[G>C]ACGTAGACTGTGAGGAACTAGGATTCCAAACCAGTTCAGGGGGTCCTGAGGGGCCTCAGA-3'
Protein context (NP_115733.2, residues 126-146): FGILVPHSLR[Gln136Glu]AQASFRDGLQ